The following is an entry in ClinVar:

NM_182961.4(SYNE1):c.12908T>A (p.Ile4303Lys)

Gene: SYNE1 (spectrin repeat containing nuclear envelope protein 1; minus strand). Cytogenetic location: 6q25.2.
Variant type: single nucleotide variant.
Coding change: c.12908T>A on transcript NM_182961.4 (MANE Select); coding-DNA position 12908, T replaced by A.
Protein change: p.Ile4303Lys; replaces isoleucine 4303 with lysine.
Molecular consequence: missense variant.
Genome position (GRCh38, 1-based): chr6:152,331,777, A>T on the plus strand (T>A on the coding strand, the complement: SYNE1 is on the minus strand). VCF-style: chr6-152331777-A-T. GRCh37 (hg19) VCF-style: chr6-152652912-A-T.
Other names: c.12695T>A, p.Ile4232Lys (NM_033071.5); short protein forms I4303K, I4232K.
Identifiers: ClinVar variation 1471050 (VCV001471050.6), dbSNP rs752624372, ClinGen allele CA4056291.

ClinVar aggregate classification (germline): Uncertain significance (1 of 4 stars; one submission).

Conditions:
Autosomal recessive ataxia, Beauce type. Also called: SYNE1-Related Autosomal Recessive Cerebellar Ataxia; Spinocerebellar ataxia, autosomal recessive 8; ATAXIA, RECESSIVE, OF BEAUCE; SYNE1 Deficiency. Identifiers: Orphanet 88644, MedGen C1853116, MONDO:0012549, OMIM 610743.
Emery-Dreifuss muscular dystrophy 4, autosomal dominant (EDMD4). Also called: EMERY-DREIFUSS MUSCULAR DYSTROPHY 4 WITH VARIABLE FEATURES. Identifiers: Orphanet 261, MedGen C2751807, MONDO:0013071, OMIM 612998.

Allele frequency attached by ClinVar (database versions not stated): gnomAD exomes 0.00001; ExAC 0.00001.
gnomAD v4.1: 4 of 1,614,154 alleles (0.00025%); highest among the groups gnomAD compares: Admixed American, 0.005%; no homozygotes.

Submission:

Labcorp Genetics (formerly Invitae), Labcorp
Classification: Uncertain significance for Emery-Dreifuss muscular dystrophy 4, autosomal dominant; Autosomal recessive ataxia, Beauce type. Last evaluated: 2022-06-05. Review status: criteria provided, single submitter. Criteria: Invitae Variant Classification Sherloc (09022015). Collection method: clinical testing. Allele origin: germline.
Comment: ClinVar contains an entry for this variant (Variation ID: 1471050). In summary, the available evidence is currently insufficient to determine the role of this variant in disease. Therefore, it has been classified as a Variant of Uncertain Significance. Algorithms developed to predict the effect of missense changes on protein structure and function are either unavailable or do not agree on the potential impact of this missense change (SIFT: "Deleterious"; PolyPhen-2: "Benign"; Align-GVGD: "Class C35"). This variant has not been reported in the literature in individuals affected with SYNE1-related conditions. This variant is present in population databases (rs752624372, gnomAD 0.006%). This sequence change replaces isoleucine, which is neutral and non-polar, with lysine, which is basic and polar, at codon 4232 of the SYNE1 protein (p.Ile4232Lys).